The following is an entry in ClinVar:

ClinVar aggregate classification (germline): Pathogenic/Likely pathogenic. Review status: criteria provided, multiple submitters, no conflicts (2 of 4 stars). 2 submissions from 2 submitters: Pathogenic (1); Likely pathogenic (1). Last evaluated 2024-10-26.

Conditions:
Waardenburg syndrome type 1 (WS1). Also called: WAARDENBURG SYNDROME WITH DYSTOPIA CANTHORUM; Waardenburg Syndrome Type I. Identifiers: Orphanet 894, MedGen C1847800, MONDO:0008670, OMIM 193500.

Submissions (2):

Labcorp Genetics (formerly Invitae), Labcorp
Classification: Pathogenic. Last evaluated: 2024-10-26. Review status: criteria provided, single submitter. Criteria: Invitae Variant Classification Sherloc (09022015). Collection method: clinical testing. Allele origin: germline.
Comment: This sequence change creates a premature translational stop signal (p.Ile46Asnfs*68) in the PAX3 gene. It is expected to result in an absent or disrupted protein product. Loss-of-function variants in PAX3 are known to be pathogenic (PMID: 20127975, 23512835). This variant is not present in population databases (gnomAD no frequency). This variant has not been reported in the literature in individuals affected with PAX3-related conditions. ClinVar contains an entry for this variant (Variation ID: 547731). For these reasons, this variant has been classified as Pathogenic.

Center for Human Genetics, Inc
Classification: Likely pathogenic for Waardenburg syndrome type 1. Last evaluated: 2016-11-01. Review status: criteria provided, single submitter. Criteria: ACMG Guidelines, 2015. Collection method: clinical testing. Allele origin: germline. Affected: yes.

Literature cited by the submitters: PubMed 20127975 (cited by Labcorp Genetics (formerly Invitae), Labcorp); PubMed 23512835 (cited by Labcorp Genetics (formerly Invitae), Labcorp).

NM_181458.4(PAX3):c.136dup (p.Ile46fs)

Gene: PAX3 (paired box 3; minus strand). Cytogenetic location: 2q36.1.
Variant type: Duplication.
Coding change: c.136dup on transcript NM_181458.4 (MANE Select); coding-DNA position 136, one base duplicated (A; older notation c.136dupA).
Protein change: p.Ile46fs; shifts the reading frame from isoleucine 46.
Molecular consequence: frameshift variant.
Genome position (GRCh38, 1-based): chr2:222,297,163, T duplicated on the plus strand (A on the coding strand, the reverse complement: PAX3 is on the minus strand). VCF-style (leftmost placement, unchanged base first): chr2-222297162-A-AT. GRCh37 (hg19) VCF-style: chr2-223161881-A-AT.
Other names: c.136dup, p.Ile46fs (NM_000438.6, NM_001127366.3, NM_013942.5 and 4 more transcripts); c.136dupA (NM_181457.3); short protein forms I46fs.
Identifiers: ClinVar variation 547731 (VCV000547731.5), dbSNP rs1553594009, ClinGen allele CA658821476.